The following is an entry in ClinVar:

ClinVar aggregate classification (germline): Pathogenic (1 of 4 stars; one submission).

Submission:

Labcorp Genetics (formerly Invitae), Labcorp
Classification: Pathogenic. Last evaluated: 2022-04-14. Review status: criteria provided, single submitter. Criteria: Invitae Variant Classification Sherloc (09022015). Collection method: clinical testing. Allele origin: germline.
Comment: This variant has not been reported in the literature in individuals affected with LAMC2-related conditions. This variant is not present in population databases (gnomAD no frequency). This sequence change creates a premature translational stop signal (p.Pro808Argfs*23) in the LAMC2 gene. It is expected to result in an absent or disrupted protein product. Loss-of-function variants in LAMC2 are known to be pathogenic (PMID: 11907499, 16473856). For these reasons, this variant has been classified as Pathogenic.

Literature cited by the submitters: PubMed 11907499; PubMed 16473856.

NM_005562.3(LAMC2):c.2423del (p.Pro808fs)

Gene: LAMC2 (laminin subunit gamma 2; plus strand). Cytogenetic location: 1q25.3.
Variant type: Deletion.
Coding change: c.2423del on transcript NM_005562.3 (MANE Select); coding-DNA position 2423, one base deleted (C; older notation c.2423delC).
Protein change: p.Pro808fs; shifts the reading frame from proline 808.
Molecular consequence: frameshift variant.
Genome position (GRCh38, 1-based): chr1:183,235,697, C deleted; the last of 3 consecutive C bases (chr1:183,235,695-183,235,697); deleting any one gives the same sequence. VCF-style (leftmost placement, unchanged base first): chr1-183235694-GC-G. GRCh37 (hg19) VCF-style: chr1-183204829-GC-G.
Other names: c.2423del, p.Pro808fs (NM_018891.3); short protein forms P808fs.
Identifiers: ClinVar variation 1440397 (VCV001440397.6), dbSNP rs2102245377, ClinGen allele CA2573130615.